The following is an entry in ClinVar:

ClinVar aggregate classification (germline): Likely benign. Review status: criteria provided, multiple submitters, no conflicts (2 of 4 stars). 2 submissions from 2 submitters: Likely benign (2). Last evaluated 2025-05-05.

Conditions:
Hereditary breast ovarian cancer syndrome. Also called: Hereditary breast and ovarian cancer; Hereditary breast and ovarian cancer syndrome (HBOC); Breast and ovarian cancer; Hereditary breast and/or ovarian cancer syndrome; BRCA1- and BRCA2-Associated Hereditary Breast and Ovarian Cancer; Hereditary breast and ovarian cancer syndrome. Identifiers: Orphanet 145, MedGen C0677776, MeSH D061325, MONDO:0003582. Disease mechanism: loss of function.
Hereditary cancer-predisposing syndrome. Also called: Neoplastic Syndromes, Hereditary; Tumor predisposition; Hereditary Cancer Syndrome; Hereditary neoplastic syndrome. Identifiers: Orphanet 140162, MedGen C0027672, MeSH D009386, MONDO:0015356.

Submissions (3):

Labcorp Genetics (formerly Invitae), Labcorp
Classification: Likely benign for Hereditary breast ovarian cancer syndrome. Last evaluated: 2025-05-05. Review status: criteria provided, single submitter. Criteria: Invitae Variant Classification Sherloc (09022015). Collection method: clinical testing. Allele origin: germline.

Color Diagnostics, LLC DBA Color Health
Classification: Likely benign for Hereditary cancer-predisposing syndrome. Last evaluated: 2018-10-24. Review status: criteria provided, single submitter. Criteria: ACMG Guidelines, 2015. Collection method: clinical testing. Allele origin: germline.

Brotman Baty Institute, University of Washington
No classification provided (evidence only). Condition: Breast-ovarian cancer, familial 1. Review status: no classification provided. Collection method: in vitro. Allele origin: not applicable. Functional consequence: functionally_normal. Not counted in ClinVar's aggregate classification.
ClinVar note: "not provided" was previously submitted as the classification for the variant. However, the classification appeared to be based only on an observation of functional data so it was converted to no classification on 2025-07-30.

NM_007294.4(BRCA1):c.5277+10C>T

Gene: BRCA1 (BRCA1 DNA repair associated; minus strand). Cytogenetic location: 17q21.31.
Variant type: single nucleotide variant.
Coding change: c.5277+10C>T on transcript NM_007294.4 (MANE Select); 10 bases into the intron after coding-DNA position 5277, C replaced by T.
Molecular consequence: intron variant.
Genome position (GRCh38, 1-based): chr17:43,057,042, G>A on the plus strand (C>T on the coding strand, the complement: BRCA1 is on the minus strand). VCF-style: chr17-43057042-G-A. GRCh37 (hg19) VCF-style: chr17-41209059-G-A.
Other names: c.5076+10C>T (NM_001407862.1); c.1956+10C>T (NM_001408409.1); c.5193+10C>T (NM_001407663.1, NM_001407659.1, NM_001407662.1 and 2 more transcripts); c.5196+10C>T (NM_001407658.1, NM_001407656.1, NM_001407657.1); c.5199+10C>T (NM_001407653.1, NM_001407655.1, NM_001407654.1 and 1 more transcripts); c.4938+10C>T (NM_001407958.1, NM_001407956.1, NM_001407957.1); c.4941+10C>T (NM_001407955.1, NM_001407951.1, NM_001407954.1 and 3 more transcripts); c.1752+10C>T (NM_001408493.1, NM_001408492.1); and 72 more.
Identifiers: ClinVar variation 868260 (VCV000868260.13), dbSNP rs2051493172, ClinGen allele CA913187797.